The following is an entry in ClinVar:

NM_000257.4(MYH7):c.2536G>C (p.Glu846Gln)

Genes: MYH7 (myosin heavy chain 7; minus strand), LOC126861898 (BRD4-independent group 4 enhancer GRCh37_chr14:23893609-23894808; plus strand). Cytogenetic location: 14q11.2.
Variant type: single nucleotide variant.
Coding change: c.2536G>C on transcript NM_000257.4 (MANE Select); coding-DNA position 2536, G replaced by C.
Protein change: p.Glu846Gln; replaces glutamic acid 846 with glutamine.
Molecular consequence: missense variant.
Genome position (GRCh38, 1-based): chr14:23,424,912, C>G on the plus strand (G>C on the coding strand, the complement: MYH7 is on the minus strand). VCF-style: chr14-23424912-C-G. GRCh37 (hg19) VCF-style: chr14-23894121-C-G.
Other names: p.E846Q:GAG>CAG; c.2536G>C (LRG_384t1, NM_000257.3); short protein forms E846Q.
Identifiers: ClinVar variation 181194 (VCV000181194.24), dbSNP rs730880748, ClinGen allele CA012562.
Genomic context (GRCh38, chr14:23,424,912, plus strand): 5'-ACTTCTCTAGCGCCTCTTTGAGGCGTGTGAACTCCTCCTTCATGGAGGCCATCTCCTTCT[C>G]TCTTTCTGCACTCTTCAGCAGCGGCTTGATCTTGAAGTAGAGCTTCATCCAGGGCCAATT-3'
Protein context (NP_000248.2, residues 836-856): IKPLLKSAER[Glu846Gln]KEMASMKEEF

ClinVar aggregate classification (germline): Conflicting classifications of pathogenicity. Review status: criteria provided, conflicting classifications (1 of 4 stars). 8 submissions from 8 submitters: Pathogenic (1); Likely pathogenic (6); Uncertain significance (1). Last evaluated 2025-10-19.

Conditions:
MYH7-related disorder. Also called: MYH7-related condition; MYH7-related disease; MYH7-related disorders.
Cardiovascular phenotype. Identifiers: MedGen CN230736.
Cardiomyopathy (CMYO). Also called: Cardiomyopathies. Identifiers: Orphanet 167848, MedGen C0878544, MONDO:0004994, HP:0001638. Inheritance: Various modes of inheritance.
Hypertrophic cardiomyopathy. Also called: HYPERTROPHIC MYOCARDIOPATHY. Identifiers: Orphanet 217569, MedGen C0007194, MeSH D002312, MONDO:0005045, HP:0001639.

Allele frequency attached by ClinVar (database versions not stated): TOPMed below 0.00001; gnomAD 0.00001; gnomAD exomes below 0.00001.
gnomAD v4.1: 5 of 1,614,152 alleles (0.00031%); highest among the groups gnomAD compares: Non-Finnish European, 0.00017%; no homozygotes.

Submissions (8):

Labcorp Genetics (formerly Invitae), Labcorp
Classification: Pathogenic for Hypertrophic cardiomyopathy. Last evaluated: 2025-10-19. Review status: criteria provided, single submitter. Criteria: Invitae Variant Classification Sherloc (09022015). Collection method: clinical testing. Allele origin: germline.
Comment: This sequence change replaces glutamic acid, which is acidic and polar, with glutamine, which is neutral and polar, at codon 846 of the MYH7 protein (p.Glu846Gln). This variant is not present in population databases (gnomAD no frequency). This missense change has been observed in individuals with clinical features of hypertrophic cardiomyopathy (PMID: 12566107, 27532257; internal data). It has also been observed to segregate with disease in related individuals. ClinVar contains an entry for this variant (Variation ID: 181194). Invitae Evidence Modeling of protein sequence and biophysical properties (such as structural, functional, and spatial information, amino acid conservation, physicochemical variation, residue mobility, and thermodynamic stability) indicates that this missense variant is expected to disrupt MYH7 protein function with a positive predictive value of 95%. This variant is found within a region of MYH7 between codons 181 and 937 that contains the majority of the myosin head domain. Missense variants in this region have been shown to be significantly overrepresented in individuals with hypertrophic cardiomyopathy (PMID: 27532257). For these reasons, this variant has been classified as Pathogenic.

Color Diagnostics, LLC DBA Color Health
Classification: Likely pathogenic for Cardiomyopathy. Last evaluated: 2025-10-06. Review status: criteria provided, single submitter. Criteria: ACMG Guidelines, 2015. Collection method: clinical testing. Allele origin: germline.
Comment: This missense variant replaces glutamic acid with glutamine at codon 846 in the myosin head/motor (S1) domain of the MYH7 protein. Computational prediction suggests that this variant may have deleterious impact on protein structure and function. To our knowledge, functional studies have not been reported for this variant. This variant has been reported in at least 7 individuals affected with hypertrophic cardiomyopathy (PMID: 12566107, 19035361, 20031602, 27532257communication with external laboratories: ClinVar SCV001486522.2 and SCV000319790.5). It has been shown that this variant segregates with hypertrophic cardiomyopathy in three individuals in one family (PMID: 12566107, 19035361). This variant has not been identified in the general population by the Genome Aggregation Database (gnomAD). Based on the available evidence, this variant is classified as Likely Pathogenic.

GeneDx
Classification: Uncertain significance. Last evaluated: 2025-03-07. Review status: criteria provided, single submitter. Criteria: GeneDx Variant Classification Process June 2021. Collection method: clinical testing. Allele origin: germline. Affected: yes.
Comment: In silico analysis indicates that this missense variant does not alter protein structure/function; Not observed at significant frequency in large population cohorts (gnomAD); This variant is associated with the following publications: (PMID: 23861362, 27532257, 29300372, 37652022, 20031602, 19035361, 12566107)

Ambry Genetics
Classification: Likely pathogenic for Cardiovascular phenotype. Last evaluated: 2025-02-20. Review status: criteria provided, single submitter. Criteria: Ambry Variant Classification Scheme 2023. Collection method: clinical testing. Allele origin: germline.
Comment: The p.E846Q variant (also known as c.2536G>C), located in coding exon 20 of the MYH7 gene, results from a G to C substitution at nucleotide position 2536. The glutamic acid at codon 846 is replaced by glutamine, an amino acid with highly similar properties. This alteration is located in the myosin head domain, which contains a statistically significant clustering of pathogenic missense variants. This variant was identified in one or more individuals with features consistent with hypertrophic cardiomyopathy and segregated with disease in at least one family (Havndrup O et al. Cardiovasc Res. 2003;57:347&ndash;357; Ho CY et al. Circ Cardiovasc Genet. 2009;2:314-321; Homburger JR et al. Proc Natl Acad Sci U S A, 2016 06;113:6701-6; Walsh R et al. Genet Med, 2017 02;19:192-203; Ambry internal data). This variant is considered to be rare based on population cohorts in the Genome Aggregation Database (gnomAD). This amino acid position is highly conserved in available vertebrate species. In addition, this alteration is predicted to be deleterious by in silico analysis. Based on the majority of available evidence to date, this variant is likely to be pathogenic.

Biesecker Lab/Clinical Genomics Section, National Institutes of Health
Classification: Likely pathogenic for Hypertrophic cardiomyopathy. Last evaluated: 2024-10-29. Review status: criteria provided, single submitter. Criteria: Ng et al. (Circ Cardiovasc Genet. 2013). Collection method: research. Allele origin: unknown. Inheritance: Autosomal dominant inheritance. Observed: 1 variant allele. Study: ClinSeq.
Comment: This variant in MYH7, p.(Glu846Gln), is absent in gnomAD v2.1 (PM2_Supporting) and is reported to have been found in at least seven individuals with HCM (ClinVar SCV004356916.1) (PS4_Moderate). The REVEL score for this variant is 0.841 (PP3). This variant has been shown to segregate with HCM in one family with three affected individuals (does not meet PP1 per Inherited Cardiomyopathy VCEP, PMID: 12566107). This variant occurs in the head domain of MYH7 (PM1 met per VCEP). Based on the identified information we have classified this variant as likely pathogenic. (PM2_Sup, PS4_Mod, PP3, PM1)

The study set was not selected for affection status in relation to any cancer. Pathogenicity categories were based on literature curation. See Pubmed ID:23861362 for details.

Medical sequencing

All of Us Research Program, National Institutes of Health
Classification: Likely pathogenic for Hypertrophic cardiomyopathy. Last evaluated: 2024-09-27. Review status: criteria provided, single submitter. Criteria: ACMG Guidelines, 2015. Collection method: clinical testing. Allele origin: germline. Inheritance: Autosomal dominant inheritance. Observed: 1 variant allele, 1 heterozygote.
Comment: The c.2536G>C (p.Glu846Gln) variant in MYH7 gene, that encodes for myosin heavy chain 7, has been identified in at least four unrelated individuals affected with Hypertrophic Cardiomyopathy (HCM) (PMID:27532257, 20031602, 21943931). This variants has been reported to segregate with disease in three affected individuals in one large family, however this variant was also observed three asymptomatic carriers in the same family, suggesting incomplete penetrance (PMID:12566107). This variant lies in the established functional domain (amino acids 181-937) of the MYH7 protein without benign variations, and missense variants in this region are statistically more likely to be disease-associated (PMID:27532257, 27247418). In-silico computational prediction tools suggest that this variant may have deleterious effect on the protein function (REVEL score: 0.841). This variant is found to be absent in the general population database, gnomAD and interpreted as likely pathogenic or pathogenic by multiple submitters in the ClinVar database (ClinVar ID: 181194). Another missense changes affecting the same amino acid, p.Glu846Lys, has been reported in individuals with hypertrophic cardiomyopathy (PMID:15940186, 27247418) and interpreted as likely pathogenic by one ClinVar submitter (ClinVar ID:1346134). Therefore, the c.2536G>C (p.Glu846Gln) variant in the MYH7 gene is classified as likely pathogenic.

This study involves interpretation of variants in research participants for the purpose of population health screening. Participant phenotype was not available at the time of variant classification. Additional details can be found in publication PMID: 35346344, PMCID: PMC8962531

Blueprint Genetics
Classification: Likely pathogenic for MYH7-related disorders. Last evaluated: 2024-05-29. Review status: criteria provided, single submitter. Criteria: ACMG Guidelines, 2015. Collection method: clinical testing. Allele origin: germline. Affected: yes. Observed: 5 variant alleles.

CHEO Genetics Diagnostic Laboratory, Children's Hospital of Eastern Ontario
Classification: Likely pathogenic for Cardiomyopathy. Last evaluated: 2022-04-13. Review status: criteria provided, single submitter. Criteria: ACMG Guidelines, 2015. Collection method: clinical testing. Allele origin: germline.

Literature cited by the submitters: PubMed 12566107 (cited by 4 submitters); PubMed 27532257 (cited by 4 submitters); PubMed 19035361 (cited by Color Diagnostics, LLC DBA Color Health); PubMed 20031602 (cited by Color Diagnostics, LLC DBA Color Health and All of Us Research Program, National Institutes of Health); PubMed 15940186 (cited by All of Us Research Program, National Institutes of Health); PubMed 21943931 (cited by All of Us Research Program, National Institutes of Health); PubMed 27247418 (cited by All of Us Research Program, National Institutes of Health).